The following is an entry in ClinVar:

NM_000441.2(SLC26A4):c.2235G>A (p.Thr745=)

Gene: SLC26A4 (solute carrier family 26 member 4; plus strand). Cytogenetic location: 7q22.3.
Variant type: single nucleotide variant.
Coding change: c.2235G>A on transcript NM_000441.2 (MANE Select); coding-DNA position 2235, G replaced by A.
Protein change: p.Thr745=; no amino-acid change (threonine 745 retained).
Molecular consequence: synonymous variant.
Genome position (GRCh38, 1-based): chr7:107,710,199, G>A. VCF-style: chr7-107710199-G-A. GRCh37 (hg19) VCF-style: chr7-107350644-G-A.
Other names: c.2235G>A (NM_000441.1).
Identifiers: ClinVar variation 1174855 (VCV001174855.8), dbSNP rs748353957, ClinGen allele CA4433085.

ClinVar aggregate classification (germline): Uncertain significance. Review status: criteria provided, single submitter (1 of 4 stars). 3 submissions from 3 submitters: Uncertain significance (1). 2 of the submissions do not count toward it. Last evaluated 2025-02-06.

Allele frequency attached by ClinVar (database versions not stated): gnomAD exomes 0.00001; ExAC 0.00002.
gnomAD v4.1: 12 of 1,590,102 alleles (0.00075%); highest among the groups gnomAD compares: East Asian, 0.0022%; no homozygotes.

Submissions (3):

GeneDx
Classification: Uncertain significance. Last evaluated: 2025-02-06. Review status: criteria provided, single submitter. Criteria: GeneDx Variant Classification Process June 2021. Collection method: clinical testing. Allele origin: germline. Affected: yes.
Comment: Reported in a patient with dilated cardiomyopathy in published literature (PMID: 29517769); Not observed at significant frequency in large population cohorts (gnomAD); In silico analysis supports that this variant does not alter splicing; This variant is associated with the following publications: (PMID: 29517769)

Diagnostic Laboratory, Department of Genetics, University Medical Center Groningen
Classification: Uncertain significance. Review status: no assertion criteria provided. Collection method: clinical testing. Allele origin: germline. Affected: yes. Study: VKGL Data-share Consensus. Not counted in ClinVar's aggregate classification.

Joint Genome Diagnostic Labs from Nijmegen and Maastricht, Radboudumc and MUMC+
Classification: Uncertain significance. Review status: no assertion criteria provided. Collection method: clinical testing. Allele origin: germline. Affected: yes. Study: VKGL Data-share Consensus. Not counted in ClinVar's aggregate classification.